The following is an entry in ClinVar:

ClinVar aggregate classification (germline): Uncertain significance (1 of 4 stars; one submission).

Submission:

Labcorp Genetics (formerly Invitae), Labcorp
Classification: Uncertain significance. Last evaluated: 2023-07-17. Review status: criteria provided, single submitter. Criteria: Invitae Variant Classification Sherloc (09022015). Collection method: clinical testing. Allele origin: germline.
Comment: This variant has not been reported in the literature in individuals affected with PCLO-related conditions. ClinVar contains an entry for this variant (Variation ID: 1354721). Experimental studies and prediction algorithms are not available or were not evaluated, and the functional significance of this variant is currently unknown. In summary, the available evidence is currently insufficient to determine the role of this variant in disease. Therefore, it has been classified as a Variant of Uncertain Significance. This sequence change replaces arginine, which is basic and polar, with proline, which is neutral and non-polar, at codon 1759 of the PCLO protein (p.Arg1759Pro). This variant is not present in population databases (gnomAD no frequency).

NM_033026.6(PCLO):c.5276G>C (p.Arg1759Pro)

Gene: PCLO (piccolo presynaptic cytomatrix protein; minus strand). Cytogenetic location: 7q21.11.
Variant type: single nucleotide variant.
Coding change: c.5276G>C on transcript NM_033026.6 (MANE Select); coding-DNA position 5276, G replaced by C.
Protein change: p.Arg1759Pro; replaces arginine 1759 with proline.
Molecular consequence: missense variant.
Genome position (GRCh38, 1-based): chr7:82,955,677, C>G on the plus strand (G>C on the coding strand, the complement: PCLO is on the minus strand). VCF-style: chr7-82955677-C-G. GRCh37 (hg19) VCF-style: chr7-82584993-C-G.
Other names: c.5276G>C, p.Arg1759Pro (NM_014510.3); short protein forms R1759P.
Identifiers: ClinVar variation 1354721 (VCV001354721.6), dbSNP rs959718398, ClinGen allele CA367924679.